The following is an entry in ClinVar:

ClinVar aggregate classification (germline): Uncertain significance (1 of 4 stars; one submission).

Conditions:
TPM1-related disorder. Also called: TPM1-related condition.

gnomAD v4.1: 12 of 1,605,772 alleles (0.00075%); highest among the groups gnomAD compares: African/African-American, 0.0053%; no homozygotes.

Submission:

PreventionGenetics, part of Exact Sciences
Classification: Uncertain significance for TPM1-related condition. Last evaluated: 2026-01-21. Review status: criteria provided, single submitter. Criteria: ACMG Guidelines, 2015. Collection method: clinical testing. Allele origin: germline.
Comment: The TPM1 c.824C>T variant is predicted to result in the amino acid substitution p.Ser275Phe. To our knowledge, this variant has not been reported in the literature. This variant is reported in 0.0087% of alleles in individuals of African descent in gnomAD. At this time, the clinical significance of this variant is uncertain due to the absence of conclusive functional and genetic evidence.

NM_001018005.2(TPM1):c.*48C>T

Gene: TPM1 (tropomyosin 1; plus strand). Cytogenetic location: 15q22.2.
Variant type: single nucleotide variant.
Coding change: c.*48C>T on transcript NM_001018005.2 (MANE Select); 48 bases downstream of the stop codon, C replaced by T.
Molecular consequence: 3 prime UTR variant. On other transcripts: missense variant (5), non-coding transcript variant (6), intron variant (14).
Genome position (GRCh38, 1-based): chr15:63,065,947, C>T. VCF-style: chr15-63065947-C-T. GRCh37 (hg19) VCF-style: chr15-63358146-C-T.
Other names: c.*96C>T (NM_000366.6, NM_001365779.1, NM_001407323.1 and 1 more transcripts); c.*48C>T (NM_001301244.2, NM_001330346.2, NM_001407322.1 and 3 more transcripts); c.824C>T, p.Ser275Phe (NM_001365777.1, NM_001407327.1, NM_001407328.1); c.716C>T, p.Ser239Phe (NM_001365780.1, NM_001407342.1); c.*1801C>T (NM_001365781.2, NM_001365782.1, NM_001407333.1 and 1 more transcripts); c.898+3302C>T (NM_001365778.1); c.772+3302C>T (NM_001407336.1, NM_001018020.2, NM_001407338.1 and 5 more transcripts); c.851+1805C>T (NM_001407326.1); and 1 more; short protein forms S239F, S275F.
Identifiers: ClinVar variation 4984103 (VCV004984103.1).
Genomic context (GRCh38, chr15:63,065,947, plus strand): 5'-TTCACGCAGATAAGTTTCTTTGCTTCACTTCTCCCAAGACTCCCTCGTCGAGCTGGATGT[C>T]CCACCTCTCTGAGCTCTGCATTTGTCTATTCTCCAGCTGACCCTGGTTCTCTCTCTTAGC-3'